The following is an entry in ClinVar:

ClinVar aggregate classification (germline): Pathogenic (1 of 4 stars; one submission).

Conditions:
Deficiency of alpha-mannosidase (MANSA). Also called: Mannosidosis, alpha-, types I and II; LYSOSOMAL ALPHA-D-MANNOSIDASE DEFICIENCY; Alpha-Mannosidosis. Identifiers: Orphanet 61, MedGen C0024748, MONDO:0009561, OMIM 248500.

Submission:

Labcorp Genetics (formerly Invitae), Labcorp
Classification: Pathogenic for Deficiency of alpha-mannosidase. Last evaluated: 2021-03-17. Review status: criteria provided, single submitter. Criteria: Invitae Variant Classification Sherloc (09022015). Collection method: clinical testing. Allele origin: germline.
Comment: For these reasons, this variant has been classified as Pathogenic. This variant has not been reported in the literature in individuals with MAN2B1-related conditions. This variant is not present in population databases (ExAC no frequency). This sequence change creates a premature translational stop signal (p.Met327Valfs*6) in the MAN2B1 gene. It is expected to result in an absent or disrupted protein product. Loss-of-function variants in MAN2B1 are known to be pathogenic (PMID: 9915946, 22161967).

Literature cited by the submitters: PubMed 9915946; PubMed 22161967.

NM_000528.4(MAN2B1):c.979_980del (p.Met327fs)

Gene: MAN2B1 (mannosidase alpha class 2B member 1; minus strand). Cytogenetic location: 19p13.13.
Variant type: Deletion.
Coding change: c.979_980del on transcript NM_000528.4 (MANE Select); coding-DNA positions 979 to 980, 2 bases deleted (AT; older notation c.979_980delAT).
Protein change: p.Met327fs; shifts the reading frame from methionine 327.
Molecular consequence: frameshift variant.
Genome position (GRCh38, 1-based): chr19:12,661,306-12,661,307, AT deleted on the plus strand (AT on the coding strand, the reverse complement: MAN2B1 is on the minus strand). VCF-style (leftmost placement, unchanged base first): chr19-12661305-CAT-C. GRCh37 (hg19) VCF-style: chr19-12772119-CAT-C.
Other names: c.979_980del, p.Met327fs (NM_001173498.2); short protein forms M327fs.
Identifiers: ClinVar variation 1373944 (VCV001373944.6), dbSNP rs2145272932, ClinGen allele CA2573156071.